The following is an entry in ClinVar:

NM_030631.4(SLC25A21):c.760A>T (p.Met254Leu)

Gene: SLC25A21 (solute carrier family 25 member 21; minus strand). Cytogenetic location: 14q13.3.
Variant type: single nucleotide variant.
Coding change: c.760A>T on transcript NM_030631.4 (MANE Select); coding-DNA position 760, A replaced by T.
Protein change: p.Met254Leu; replaces methionine 254 with leucine.
Molecular consequence: missense variant.
Genome position (GRCh38, 1-based): chr14:36,684,769, T>A on the plus strand (A>T on the coding strand, the complement: SLC25A21 is on the minus strand). VCF-style: chr14-36684769-T-A. GRCh37 (hg19) VCF-style: chr14-37153974-T-A.
Other names: c.760A>T, p.Met254Leu (NM_001171170.2); short protein forms M254L.
Identifiers: ClinVar variation 2107632 (VCV002107632.4), dbSNP rs778076388, ClinGen allele CA389465161.

ClinVar aggregate classification (germline): Uncertain significance (1 of 4 stars; one submission).

Submission:

Labcorp Genetics (formerly Invitae), Labcorp
Classification: Uncertain significance. Last evaluated: 2022-06-28. Review status: criteria provided, single submitter. Criteria: Invitae Variant Classification Sherloc (09022015). Collection method: clinical testing. Allele origin: germline.
Comment: This sequence change replaces methionine, which is neutral and non-polar, with leucine, which is neutral and non-polar, at codon 254 of the SLC25A21 protein (p.Met254Leu). This variant is not present in population databases (gnomAD no frequency). This variant has not been reported in the literature in individuals affected with SLC25A21-related conditions. Algorithms developed to predict the effect of missense changes on protein structure and function (SIFT, PolyPhen-2, Align-GVGD) all suggest that this variant is likely to be tolerated. In summary, the available evidence is currently insufficient to determine the role of this variant in disease. Therefore, it has been classified as a Variant of Uncertain Significance.